The following is an entry in ClinVar:

NM_001271.4(CHD2):c.674G>T (p.Arg225Ile)

Gene: CHD2 (chromodomain helicase DNA binding protein 2; plus strand). Cytogenetic location: 15q26.1.
Variant type: single nucleotide variant.
Coding change: c.674G>T on transcript NM_001271.4 (MANE Select); coding-DNA position 674, G replaced by T.
Protein change: p.Arg225Ile; replaces arginine 225 with isoleucine.
Molecular consequence: missense variant.
Genome position (GRCh38, 1-based): chr15:92,939,700, G>T. VCF-style: chr15-92939700-G-T. GRCh37 (hg19) VCF-style: chr15-93482930-G-T.
Other names: c.674G>T, p.Arg225Ile (NM_001042572.3); short protein forms R225I.
Identifiers: ClinVar variation 1879307 (VCV001879307.29), dbSNP rs1304008714, ClinGen allele CA393900238.

ClinVar aggregate classification (germline): Uncertain significance (1 of 4 stars; one submission).

Submission:

CeGaT Center for Human Genetics Tuebingen
Classification: Uncertain significance. Last evaluated: 2022-11-01. Review status: criteria provided, single submitter. Criteria: CeGaT Center For Human Genetics Tuebingen Variant Classification Criteria Version 2. Collection method: clinical testing. Allele origin: germline. Affected: yes. Observed: 1 variant allele.
Comment: CHD2: PM2, PP3